The following is an entry in ClinVar:

ClinVar aggregate classification (germline): Uncertain significance. Review status: criteria provided, multiple submitters, no conflicts (2 of 4 stars). 4 submissions from 4 submitters: Uncertain significance (4). Last evaluated 2023-03-28.

Conditions:
Hereditary cancer-predisposing syndrome. Also called: Hereditary Cancer Syndrome; Neoplastic Syndromes, Hereditary; Tumor predisposition; Hereditary neoplastic syndrome. Identifiers: Orphanet 140162, MedGen C0027672, MeSH D009386, MONDO:0015356.
Neurofibromatosis, type 1 (NF1). Also called: Neurofibromatosis, type I; VON RECKLINGHAUSEN DISEASE; NEUROFIBROMATOSIS, TYPE I, SOMATIC; Peripheral type neurofibromatosis. Identifiers: Orphanet 636, MedGen C0027831, MONDO:0018975, OMIM 162200. Disease mechanism: loss of function.

Allele frequency attached by ClinVar (database versions not stated): gnomAD exomes below 0.00001.
gnomAD v4.1: 4 of 1,609,166 alleles (0.00025%); highest among the groups gnomAD compares: Non-Finnish European, 0.00034%; no homozygotes.

Submissions (4):

GeneDx
Classification: Uncertain significance. Last evaluated: 2023-03-28. Review status: criteria provided, single submitter. Criteria: GeneDx Variant Classification Process June 2021. Collection method: clinical testing. Allele origin: germline. Affected: yes.
Comment: Not observed at significant frequency in large population cohorts (gnomAD); In silico analysis supports that this missense variant does not alter protein structure/function; Has not been previously published as pathogenic or benign to our knowledge

Genome-Nilou Lab
Classification: Uncertain significance for Neurofibromatosis, type 1. Last evaluated: 2022-03-15. Review status: criteria provided, single submitter. Criteria: ACMG Guidelines, 2015. Collection method: clinical testing. Allele origin: germline. Affected: no.

Labcorp Genetics (formerly Invitae), Labcorp
Classification: Uncertain significance for Neurofibromatosis, type 1. Last evaluated: 2020-09-11. Review status: criteria provided, single submitter. Criteria: Invitae Variant Classification Sherloc (09022015). Collection method: clinical testing. Allele origin: germline.
Comment: In summary, the available evidence is currently insufficient to determine the role of this variant in disease. Therefore, it has been classified as a Variant of Uncertain Significance. Algorithms developed to predict the effect of missense changes on protein structure and function are either unavailable or do not agree on the potential impact of this missense change (SIFT: "Tolerated"; PolyPhen-2: "Probably Damaging"; Align-GVGD: "Class C0"). This variant has not been reported in the literature in individuals with NF1-related conditions. ClinVar contains an entry for this variant (Variation ID: 231006). This variant is not present in population databases (ExAC no frequency). This sequence change replaces serine with asparagine at codon 2121 of the NF1 protein (p.Ser2121Asn). The serine residue is moderately conserved and there is a small physicochemical difference between serine and asparagine.

Ambry Genetics
Classification: Uncertain significance for Hereditary cancer-predisposing syndrome. Last evaluated: 2015-03-28. Review status: criteria provided, single submitter. Criteria: Ambry Autosomal Dominant and X-Linked criteria (10/2015). Collection method: clinical testing. Allele origin: germline. Observed: 1 variant allele.
Comment: The p.S2142N variant (also known as c.6425G>A), located in coding exon 42 of the NF1 gene, results from a G to A substitution at nucleotide position 6425. The serine at codon 2142 is replaced by asparagine, an amino acid with highly similar properties. This variant was not reported in population based cohorts in the following databases: Database of Single Nucleotide Polymorphisms (dbSNP), NHLBI Exome Sequencing Project (ESP), and 1000 Genomes Project. In the ESP, this variant was not observed in 6503 samples (13006 alleles) with coverage at this position. To date, this alteration has been detected with an allele frequency of approximately 0.003% (greater than 30000alleles tested) in our clinical cohort.This amino acid position is highly conserved in available vertebrate species. In addition, the in silico prediction for this alteration is inconclusive.Since supporting evidence is limited at this time, the clinical significance of p.S2142Nremains unclear.

NM_001042492.3(NF1):c.6425G>A (p.Ser2142Asn)

Gene: NF1 (neurofibromin 1; plus strand). Cytogenetic location: 17q11.2.
Variant type: single nucleotide variant.
Coding change: c.6425G>A on transcript NM_001042492.3 (MANE Select); coding-DNA position 6425, G replaced by A.
Protein change: p.Ser2142Asn; replaces serine 2142 with asparagine.
Molecular consequence: missense variant.
Genome position (GRCh38, 1-based): chr17:31,336,912, G>A. VCF-style: chr17-31336912-G-A. GRCh37 (hg19) VCF-style: chr17-29663930-G-A.
Other names: c.6362G>A, p.Ser2121Asn (NM_000267.4); short protein forms S2121N, S2142N.
Identifiers: ClinVar variation 231006 (VCV000231006.10), dbSNP rs876658896, ClinGen allele CA10580378.
Genomic context (GRCh38, chr17:31,336,912, plus strand): 5'-CACATGGACTGGTCATTAATATCATTCACTCTCTGTGTACTTGTTCACAGCTTCATTTTA[G>A]TGGTAAGTTCTAGGAAAGGAATTTGTGTTTACCAGTTCCTTTCTCCATTTTACTTCACCT-3'
Protein context (NP_001035957.1, residues 2132-2152): SLCTCSQLHF[Ser2142Asn]EETKQVLRLS